The following is an entry in ClinVar:

ClinVar aggregate classification (germline): Likely pathogenic (1 of 4 stars; one submission).

Conditions:
Senior-Loken syndrome 6 (SLSN6). Identifiers: Orphanet 3156, MedGen C1857779, MONDO:0012433, OMIM 610189.
Meckel syndrome, type 4 (MKS4). Also called: MECKEL-GRUBER SYNDROME, TYPE 4. Identifiers: Orphanet 564, MedGen C1970161, MONDO:0012626, OMIM 611134.
Joubert syndrome 5 (JBTS5). Identifiers: Orphanet 2318, MedGen C1857780, MONDO:0012432, OMIM 610188.
Bardet-Biedl syndrome 14 (BBS14). Identifiers: Orphanet 110, MedGen C2673874, MONDO:0014442, OMIM 615991.
Leber congenital amaurosis 10 (LCA10). Identifiers: Orphanet 65, MedGen C1857821, MONDO:0012723, OMIM 611755.

Submission:

Juno Genomics, Hangzhou Juno Genomics, Inc
Classification: Likely pathogenic for Bardet-Biedl syndrome 14; Joubert syndrome 5; Leber congenital amaurosis 10; Meckel syndrome, type 4; Senior-Loken syndrome 6. Review status: criteria provided, single submitter. Criteria: ACMG Guidelines, 2015. Collection method: clinical testing. Allele origin: germline.
Comment: Null variant in a gene where loss of function (LOF) is a known mechanism of disease.;Absent from controls (or at extremely low frequency if recessive) in Genome Aggregation Database.

NM_025114.4(CEP290):c.5437_5438del (p.Asn1813fs)

Gene: CEP290 (centrosomal protein 290; minus strand). Cytogenetic location: 12q21.32.
Variant type: Deletion.
Coding change: c.5437_5438del on transcript NM_025114.4 (MANE Select); coding-DNA positions 5437 to 5438, 2 bases deleted (AA; older notation c.5437_5438delAA).
Protein change: p.Asn1813fs; shifts the reading frame from asparagine 1813.
Molecular consequence: frameshift variant.
Genome position (GRCh38, 1-based): chr12:88,077,845-88,077,846, TT deleted on the plus strand (AA on the coding strand, the reverse complement: CEP290 is on the minus strand); deleting any 2 consecutive bases within chr12:88,077,845-88,077,848 gives the same sequence; the c. name uses the placement nearest the transcript's 3' end. VCF-style (leftmost placement, unchanged base first): chr12-88077844-GTT-G. GRCh37 (hg19) VCF-style: chr12-88471621-GTT-G.
Other names: short protein forms N1813fs.
Identifiers: ClinVar variation 5005191 (VCV005005191.2).